The following is an entry in ClinVar:

ClinVar aggregate classification (germline): Uncertain significance (1 of 4 stars; one submission).

gnomAD v4.1: 2 of 1,614,072 alleles (0.00012%); highest among the groups gnomAD compares: African/African-American, 0.0027%; no homozygotes.

Submission:

Labcorp Genetics (formerly Invitae), Labcorp
Classification: Uncertain significance. Last evaluated: 2024-06-02. Review status: criteria provided, single submitter. Criteria: Invitae Variant Classification Sherloc (09022015). Collection method: clinical testing. Allele origin: germline.
Comment: This sequence change replaces arginine, which is basic and polar, with cysteine, which is neutral and slightly polar, at codon 290 of the ADAMTS10 protein (p.Arg290Cys). This variant is present in population databases (no rsID available, gnomAD 0.01%). This variant has not been reported in the literature in individuals affected with ADAMTS10-related conditions. An algorithm developed to predict the effect of missense changes on protein structure and function (PolyPhen-2) suggests that this variant is likely to be disruptive. In summary, the available evidence is currently insufficient to determine the role of this variant in disease. Therefore, it has been classified as a Variant of Uncertain Significance.

NM_030957.4(ADAMTS10):c.868C>T (p.Arg290Cys)

Gene: ADAMTS10 (ADAM metallopeptidase with thrombospondin type 1 motif 10; minus strand). Cytogenetic location: 19p13.2.
Variant type: single nucleotide variant.
Coding change: c.868C>T on transcript NM_030957.4 (MANE Select); coding-DNA position 868, C replaced by T.
Protein change: p.Arg290Cys; replaces arginine 290 with cysteine.
Molecular consequence: missense variant.
Genome position (GRCh38, 1-based): chr19:8,597,260, G>A on the plus strand (C>T on the coding strand, the complement: ADAMTS10 is on the minus strand). VCF-style: chr19-8597260-G-A. GRCh37 (hg19) VCF-style: chr19-8662144-G-A.
Other names: short protein forms R290C.
Identifiers: ClinVar variation 3677922 (VCV003677922.1).
Genomic context (GRCh38, chr19:8,597,260, plus strand): 5'-AAGGGGAAGGGGAAGGGGAGGAAGTCCCCCGCACCTGGTCCTCCGTGAGCAGGATGAGGC[G>A]AGTTACGAGGATGTTAACGGTGCTTCCCAGACTCGAGTCCTGGAAAAGTTTGGCAACCTG-3'
Protein context (NP_112219.3, residues 280-300): LGSTVNILVT[Arg290Cys]LILLTEDQPT